The following is an entry in ClinVar:

ClinVar aggregate classification (germline): Uncertain significance (1 of 4 stars; one submission).

Conditions:
Cardiac malformation, cleft lip/palate, microcephaly, and digital anomalies. Also called: CLEFT PALATE, CARDIAC DEFECTS, AND IMPAIRED INTELLECTUAL DEVELOPMENT. Identifiers: MedGen C1832950, MONDO:0010970, OMIM 600987.

gnomAD v4.1: 2 of 1,611,260 alleles (0.00012%); highest among the groups gnomAD compares: African/African-American, 0.0013%; no homozygotes.

Submission:

Labcorp Genetics (formerly Invitae), Labcorp
Classification: Uncertain significance for Cardiac malformation, cleft lip/palate, microcephaly, and digital anomalies. Last evaluated: 2025-05-18. Review status: criteria provided, single submitter. Criteria: Invitae Variant Classification Sherloc (09022015). Collection method: clinical testing. Allele origin: germline.
Comment: This sequence change falls in intron 10 of the MEIS2 gene. It does not directly change the encoded amino acid sequence of the MEIS2 protein. It affects a nucleotide within the consensus splice site. This variant is not present in population databases (gnomAD no frequency). This variant has not been reported in the literature in individuals affected with MEIS2-related conditions. Variants that disrupt the consensus splice site are a relatively common cause of aberrant splicing (PMID: 17576681, 9536098). Algorithms developed to predict the effect of sequence changes on RNA splicing suggest that this variant may disrupt the consensus splice site. In summary, the available evidence is currently insufficient to determine the role of this variant in disease. Therefore, it has been classified as a Variant of Uncertain Significance.

Literature cited by the submitters: PubMed 17576681; PubMed 9536098.

NM_170675.5(MEIS2):c.1036+4A>G

Gene: MEIS2 (Meis homeobox 2; minus strand). Cytogenetic location: 15q14.
Variant type: single nucleotide variant.
Coding change: c.1036+4A>G on transcript NM_170675.5 (MANE Select); 4 bases into the intron after coding-DNA position 1036, A replaced by G.
Molecular consequence: intron variant.
Genome position (GRCh38, 1-based): chr15:36,896,624, T>C on the plus strand (A>G on the coding strand, the complement: MEIS2 is on the minus strand). VCF-style: chr15-36896624-T-C. GRCh37 (hg19) VCF-style: chr15-37188825-T-C.
Other names: c.997+4A>G (NM_002399.4, NM_172315.3); c.1036+4A>G (NM_001220482.2, NM_170676.5, NM_170674.5 and 1 more transcripts); c.772+4A>G (NM_172316.3).
Identifiers: ClinVar variation 4751671 (VCV004751671.1).
Genomic context (GRCh38, chr15:36,896,624, plus strand): 5'-GGAGTATAACTTGATGAGGATTTGTGCCTGTGGGACATAAATATAGATACTACTTGGAAC[T>C]TGCCTGCTCGATTTGACTGGTCAATCATGGGCTGTACTATTCTTCTTCTGGCATTAATAA-3'